The following is an entry in ClinVar:

NM_004092.4(ECHS1):c.2T>G (p.Met1Arg)

Genes: ECHS1 (enoyl-CoA hydratase, short chain 1; minus strand), LOC130005023 (ATAC-STARR-seq lymphoblastoid silent region 2977; plus strand). Cytogenetic location: 10q26.3.
Variant type: single nucleotide variant.
Coding change: c.2T>G on transcript NM_004092.4 (MANE Select); coding-DNA position 2, T replaced by G.
Protein change: p.Met1Arg; changes the start codon (methionine 1).
Molecular consequence: missense variant, initiator codon variant.
Genome position (GRCh38, 1-based): chr10:133,373,332, A>C on the plus strand (T>G on the coding strand, the complement: ECHS1 is on the minus strand). VCF-style: chr10-133373332-A-C. GRCh37 (hg19) VCF-style: chr10-135186836-A-C.
Other names: short protein forms M1R.
Identifiers: ClinVar variation 156433 (VCV000156433.9), dbSNP rs587776497, ClinGen allele CA214804.
Genomic context (GRCh38, chr10:133,373,332, plus strand): 5'-CAGCGAACCGGGGGCCTCAGCGGGCCGCGGACGCAGGACAGCAGGACACGCAGGGCGGCC[A>C]TGGCTCTCTGGACTCCTCGCCCGGCCCCGCGGAGCCGCCCCCTCGCCTATAGCCTTTCAG-3'
Protein context (NP_004083.3, residues 1-11): [Met1Arg]AALRVLLSCV

ClinVar aggregate classification (germline): Pathogenic/Likely pathogenic. Review status: criteria provided, multiple submitters, no conflicts (2 of 4 stars). 4 submissions from 4 submitters: Pathogenic (1); Likely pathogenic (1). 2 of the submissions do not count toward it. Last evaluated 2022-10-14.

Conditions:
Leigh syndrome (NULS). Also called: Leigh's syndrome; Leigh Disease; Subacute necrotizing encephalopathy; Necrotizing encephalopathy infantile subacute of Leigh; LEIGH SYNDROME, NUCLEAR; Leigh's necrotizing encephalopathy. Identifiers: Orphanet 506, MedGen C2931891, MONDO:0009723, OMIM 256000.
Mitochondrial short-chain Enoyl-Coa hydratase 1 deficiency. Also called: PxMD-ECHS1; ECHS1 deficiency; Mitochondrial Short-Chain Enoyl-CoA Hydratase Deficiency. Identifiers: Orphanet 255241, Orphanet 653880, MedGen C4225391, MONDO:0014563, OMIM 616277.

Submissions (4):

Labcorp Genetics (formerly Invitae), Labcorp
Classification: Pathogenic. Last evaluated: 2022-10-14. Review status: criteria provided, single submitter. Criteria: Invitae Variant Classification Sherloc (09022015). Collection method: clinical testing. Allele origin: germline.
Comment: ClinVar contains an entry for this variant (Variation ID: 156433). This sequence change affects the initiator methionine of the ECHS1 mRNA. The next in-frame methionine is located at codon 103. This variant is not present in population databases (gnomAD no frequency). Disruption of the initiator codon has been observed in individual(s) with Leigh syndrome (PMID: 25393721). In at least one individual the data is consistent with being in trans (on the opposite chromosome) from a pathogenic variant. Studies have shown that disruption of the initiator codon alters ECHS1 gene expression (PMID: 25393721). This variant disrupts a region of the ECHS1 protein in which other variant(s) (p.Ala2Val) have been determined to be pathogenic (PMID: 25393721, 32677908, 33139125, 33163364). This suggests that this is a clinically significant region of the protein, and that variants that disrupt it are likely to be disease-causing. For these reasons, this variant has been classified as Pathogenic.

3billion
Classification: Likely pathogenic for Mitochondrial short-chain Enoyl-Coa hydratase 1 deficiency. Last evaluated: 2022-09-01. Review status: criteria provided, single submitter. Criteria: ACMG Guidelines, 2015. Collection method: clinical testing. Allele origin: germline. Affected: yes. Observed: 1 heterozygote.
Comment: The variant is not observed in the gnomAD v2.1.1 dataset. Start-lost is reinitiation of translation may occur at a downstream alternate start codon but still result in a loss or disruption of normal protein function as there have been pathogenic variants reported upstream of the alterante start codon. Functional studies provide strong evidence of the variant having a damaging effect on the gene or gene product (PMID: 25393721). The variant has been reported to be associated with ECHS1-related disorder (ClinVar ID: VCV000156433 / PMID: 25393721). Therefore, this variant is classified as Likely pathogenic according to the recommendation of ACMG/AMP guideline.

OMIM
Classification: Pathogenic for MITOCHONDRIAL SHORT-CHAIN ENOYL-CoA HYDRATASE 1 DEFICIENCY. Last evaluated: 2015-02-01. Review status: no assertion criteria provided. Collection method: literature only. Allele origin: germline. Not counted in ClinVar's aggregate classification.

Department of Mental Retardation and Birth Defect Research,  National Center of Neurology and Psychiatry
Classification: Likely pathogenic for Leigh's disease. Review status: no assertion criteria provided. Collection method: not provided. Allele origin: paternal. Not counted in ClinVar's aggregate classification.
ClinVar note: Converted during submission from probable-pathogenic to Likely pathogenic.

Literature cited by the submitters: PubMed 25393721 (cited by 3 submitters); PubMed 32677908 (cited by Labcorp Genetics (formerly Invitae), Labcorp); PubMed 33139125 (cited by Labcorp Genetics (formerly Invitae), Labcorp); PubMed 33163364 (cited by Labcorp Genetics (formerly Invitae), Labcorp).